The following is an entry in ClinVar:

NM_000455.5(STK11):c.874T>C (p.Tyr292His)

Gene: STK11 (serine/threonine kinase 11; plus strand). Cytogenetic location: 19p13.3.
Variant type: single nucleotide variant.
Coding change: c.874T>C on transcript NM_000455.5 (MANE Select); coding-DNA position 874, T replaced by C.
Protein change: p.Tyr292His; replaces tyrosine 292 with histidine.
Molecular consequence: missense variant.
Genome position (GRCh38, 1-based): chr19:1,221,960, T>C. VCF-style: chr19-1221960-T-C. GRCh37 (hg19) VCF-style: chr19-1221959-T-C.
Other names: c.874T>C, p.Tyr292His (NM_001407255.1); short protein forms Y292H.
Identifiers: ClinVar variation 2157516 (VCV002157516.4), dbSNP rs2145428662, ClinGen allele CA402951185.

ClinVar aggregate classification (germline): Uncertain significance (1 of 4 stars; one submission).

Conditions:
Peutz-Jeghers syndrome (PJS). Also called: POLYPOSIS, HAMARTOMATOUS INTESTINAL; POLYPS-AND-SPOTS SYNDROME; Peutz-Jeghers polyposis; Periorificial lentiginosis syndrome. Identifiers: Orphanet 2869, MedGen C0031269, MeSH D010580, MONDO:0008280, OMIM 175200.

Submission:

Labcorp Genetics (formerly Invitae), Labcorp
Classification: Uncertain significance for Peutz-Jeghers syndrome. Last evaluated: 2022-07-12. Review status: criteria provided, single submitter. Criteria: Invitae Variant Classification Sherloc (09022015). Collection method: clinical testing. Allele origin: germline.
Comment: In summary, the available evidence is currently insufficient to determine the role of this variant in disease. Therefore, it has been classified as a Variant of Uncertain Significance. Advanced modeling of protein sequence and biophysical properties (such as structural, functional, and spatial information, amino acid conservation, physicochemical variation, residue mobility, and thermodynamic stability) performed at Invitae indicates that this missense variant is expected to disrupt STK11 protein function. This variant has not been reported in the literature in individuals affected with STK11-related conditions. This variant is not present in population databases (gnomAD no frequency). This sequence change replaces tyrosine, which is neutral and polar, with histidine, which is basic and polar, at codon 292 of the STK11 protein (p.Tyr292His).